The following is an entry in ClinVar:

NM_172232.4(ABCA5):c.3265T>C (p.Leu1089=)

Gene: ABCA5 (ATP binding cassette subfamily A member 5; minus strand). Cytogenetic location: 17q24.3.
Variant type: single nucleotide variant.
Coding change: c.3265T>C on transcript NM_172232.4 (MANE Select); coding-DNA position 3265, T replaced by C.
Protein change: p.Leu1089=; no amino-acid change (leucine 1089 retained).
Molecular consequence: synonymous variant.
Genome position (GRCh38, 1-based): chr17:69,264,785, A>G on the plus strand (T>C on the coding strand, the complement: ABCA5 is on the minus strand). VCF-style: chr17-69264785-A-G. GRCh37 (hg19) VCF-style: chr17-67260926-A-G.
Other names: c.3265T>C, p.Leu1089= (NM_018672.5).
Identifiers: ClinVar variation 3060219 (VCV003060219.3), dbSNP rs12449649, ClinGen allele CA8737086.

ClinVar aggregate classification (germline): Likely benign. Review status: criteria provided, single submitter (1 of 4 stars). 2 submissions from 2 submitters: Likely benign (1). 1 of the submissions does not count toward it. Last evaluated 2024-11-28.

Conditions:
ABCA5-related disorder. Also called: ABCA5-related condition.

Allele frequency attached by ClinVar (database versions not stated): 1000 Genomes Project 0.37939; TOPMed 0.37983; ESP Exome Variant Server 0.39114; gnomAD 0.39288; ExAC 0.43685; gnomAD exomes 0.45900; 1000 Genomes Project 30x 0.37133.
gnomAD v4.1: 720,039 of 1,590,594 alleles (45%); highest among the groups gnomAD compares: Middle Eastern, 52%; 166,699 homozygotes.

Submissions (2):

Blueprint Genetics
Classification: Likely benign. Last evaluated: 2024-11-28. Review status: criteria provided, single submitter. Criteria: ACMG Guidelines, 2015. Collection method: clinical testing. Allele origin: germline.

PreventionGenetics, part of Exact Sciences
Classification: Benign for ABCA5-related condition. Last evaluated: 2019-10-17. Review status: no assertion criteria provided. Collection method: clinical testing. Allele origin: germline. Not counted in ClinVar's aggregate classification.
Comment: This variant is classified as benign based on ACMG/AMP sequence variant interpretation guidelines (Richards et al. 2015 PMID: 25741868, with internal and published modifications).